The following is an entry in ClinVar:

ClinVar aggregate classification (germline): Likely pathogenic. Review status: criteria provided, single submitter (1 of 4 stars). 2 submissions from 2 submitters: Likely pathogenic (1). 1 of the submissions does not count toward it. Last evaluated 2024-10-31.

Conditions:
Phenylketonuria (PKU). Also called: Phenylketonurias; Phenylketonuria (PKU); OLIGOPHRENIA PHENYLPYRUVICA; FOLLING DISEASE. Identifiers: Orphanet 716, MedGen C0031485, MONDO:0009861, OMIM 261600. Disease mechanism: loss of function.

Submissions (2):

Natera, Inc.
Classification: Likely pathogenic for Phenylketonuria. Last evaluated: 2024-10-31. Review status: criteria provided, single submitter. Criteria: Natera Variant Classification Schema (03/2026). Collection method: clinical testing. Allele origin: germline.
Comment: The c.307G>A variant in PAH is a missense variant predicted to cause substitution of glycine to serine at amino acid 103. This variant is rare in the general population with a frequency below the threshold expected for the associated phenotype(s). This variant has been observed in one or more individuals affected with the associated recessive disease, as either homozygous or compound heterozygous with a second variant (PMID: 15503242). A different variant at the same position has been determined to be Pathogenic or Likely Pathogenic. Given the available evidence, this variant is classified as Likely Pathogenic.

Counsyl
Classification: Uncertain significance for Phenylketonuria. Last evaluated: 2017-05-12. Review status: no assertion criteria provided. Collection method: clinical testing. Allele origin: unknown. Not counted in ClinVar's aggregate classification.

Literature cited by the submitters: PubMed 15503242 (cited by Natera, Inc. and Counsyl); PubMed 16253218 (cited by Counsyl); PubMed 17924342 (cited by Counsyl).

NM_000277.3(PAH):c.307G>A (p.Gly103Ser)

Gene: PAH (phenylalanine hydroxylase; minus strand). Cytogenetic location: 12q23.2.
Variant type: single nucleotide variant.
Coding change: c.307G>A on transcript NM_000277.3 (MANE Select); coding-DNA position 307, G replaced by A.
Protein change: p.Gly103Ser; replaces glycine 103 with serine.
Molecular consequence: missense variant.
Genome position (GRCh38, 1-based): chr12:102,894,780, C>T on the plus strand (G>A on the coding strand, the complement: PAH is on the minus strand). VCF-style: chr12-102894780-C-T. GRCh37 (hg19) VCF-style: chr12-103288558-C-T.
Other names: c.307G>A, p.Gly103Ser (NM_001354304.2); c.307G>A (NM_000277.2); short protein forms G103S.
Identifiers: ClinVar variation 551968 (VCV000551968.3), dbSNP rs752792040, ClinGen allele CA16020763.